The following is an entry in ClinVar:

NM_030773.4(TUBB1):c.984G>C (p.Gln328His)

Gene: TUBB1 (tubulin beta 1 class VI; plus strand). Cytogenetic location: 20q13.32.
Variant type: single nucleotide variant.
Coding change: c.984G>C on transcript NM_030773.4 (MANE Select); coding-DNA position 984, G replaced by C.
Protein change: p.Gln328His; replaces glutamine 328 with histidine.
Molecular consequence: missense variant.
Genome position (GRCh38, 1-based): chr20:59,024,411, G>C. VCF-style: chr20-59024411-G-C. GRCh37 (hg19) VCF-style: chr20-57599466-G-C.
Other names: short protein forms Q328H.
Identifiers: ClinVar variation 4987455 (VCV004987455.1).

ClinVar aggregate classification (germline): Uncertain significance (1 of 4 stars; one submission).

Conditions:
TUBB1-related disorder. Also called: TUBB1-related condition.

gnomAD v4.1: 64 of 1,614,092 alleles (0.004%); highest among the groups gnomAD compares: Non-Finnish European, 0.0053%; no homozygotes.

Submission:

PreventionGenetics, part of Exact Sciences
Classification: Uncertain significance for TUBB1-related condition. Last evaluated: 2026-03-19. Review status: criteria provided, single submitter. Criteria: ACMG Guidelines, 2015. Collection method: clinical testing. Allele origin: germline.
Comment: The TUBB1 c.984G>C variant is predicted to result in the amino acid substitution p.Gln328His. To our knowledge, this variant has not been reported in the literature. This variant is reported in 0.0018% of alleles in individuals of European (Non-Finnish) descent in gnomAD. At this time, the clinical significance of this variant is uncertain due to the absence of conclusive functional and genetic evidence.